The following is an entry in ClinVar:

NM_001190737.2(NFIB):c.661T>A (p.Ser221Thr)

Gene: NFIB (nuclear factor I B; minus strand). Cytogenetic location: 9p23.
Variant type: single nucleotide variant.
Coding change: c.661T>A on transcript NM_001190737.2 (MANE Select); coding-DNA position 661, T replaced by A.
Protein change: p.Ser221Thr; replaces serine 221 with threonine.
Molecular consequence: missense variant. On other transcripts: 5 prime UTR variant (1), non-coding transcript variant (4).
Genome position (GRCh38, 1-based): chr9:14,155,849, A>T on the plus strand (T>A on the coding strand, the complement: NFIB is on the minus strand). VCF-style: chr9-14155849-A-T. GRCh37 (hg19) VCF-style: chr9-14155848-A-T.
Other names: c.739T>A, p.Ser247Thr (NM_001190738.2); c.-96T>A (NM_001282787.2); c.727T>A, p.Ser243Thr (NM_001369458.1, NM_001369459.1, NM_001369462.1 and 1 more transcripts); c.649T>A, p.Ser217Thr (NM_001369460.1, NM_001369463.1, NM_001369466.1 and 2 more transcripts); c.661T>A, p.Ser221Thr (NM_001369461.1, NM_001369464.1, NM_001369471.1 and 1 more transcripts); c.634T>A, p.Ser212Thr (NM_001369465.1, NM_001369467.1, NM_001369476.1); c.517T>A, p.Ser173Thr (NM_001369469.1); c.424T>A, p.Ser142Thr (NM_001369470.1, NM_001369478.1); and 4 more; short protein forms S142T, S146T, S173T, S203T, S212T, S216T, S217T, S221T.
Identifiers: ClinVar variation 2431492 (VCV002431492.2), dbSNP rs2538187914, ClinGen allele CA373088913.

ClinVar aggregate classification (germline): Uncertain significance (1 of 4 stars; one submission).

Conditions:
Macrocephaly, acquired, with impaired intellectual development. Also called: MACROCEPHALY, ACQUIRED, WITH MENTAL RETARDATION. Identifiers: MedGen C4748993, MONDO:0032658, OMIM 618286.

Submission:

Laboratorio de Genetica e Diagnostico Molecular, Hospital Israelita Albert Einstein
Classification: Uncertain significance for Macrocephaly, acquired, with impaired intellectual development. Last evaluated: 2022-08-05. Review status: criteria provided, single submitter. Criteria: ACMG Guidelines, 2015. Collection method: clinical testing. Allele origin: germline. Affected: yes.
Comment: ACMG classification criteria: PM2 moderated, BP4 supporting